The following is an entry in ClinVar:

ClinVar aggregate classification (germline): Uncertain significance (1 of 4 stars; one submission).

gnomAD v4.1: 4 of 1,612,938 alleles (0.00025%); highest among the groups gnomAD compares: African/African-American, 0.0027%; no homozygotes.

Submission:

Labcorp Genetics (formerly Invitae), Labcorp
Classification: Uncertain significance. Last evaluated: 2024-05-05. Review status: criteria provided, single submitter. Criteria: Invitae Variant Classification Sherloc (09022015). Collection method: clinical testing. Allele origin: germline.
Comment: This sequence change replaces threonine, which is neutral and polar, with isoleucine, which is neutral and non-polar, at codon 82 of the MOCS3 protein (p.Thr82Ile). The frequency data for this variant in the population databases is considered unreliable, as metrics indicate poor data quality at this position in the gnomAD database. This variant has not been reported in the literature in individuals affected with MOCS3-related conditions. An algorithm developed to predict the effect of missense changes on protein structure and function (PolyPhen-2) suggests that this variant is likely to be tolerated. In summary, the available evidence is currently insufficient to determine the role of this variant in disease. Therefore, it has been classified as a Variant of Uncertain Significance.

NM_014484.5(MOCS3):c.245C>T (p.Thr82Ile)

Gene: MOCS3 (molybdenum cofactor synthesis 3; plus strand). Cytogenetic location: 20q13.13.
Variant type: single nucleotide variant.
Coding change: c.245C>T on transcript NM_014484.5 (MANE Select); coding-DNA position 245, C replaced by T.
Protein change: p.Thr82Ile; replaces threonine 82 with isoleucine.
Molecular consequence: missense variant.
Genome position (GRCh38, 1-based): chr20:50,959,087, C>T. VCF-style: chr20-50959087-C-T. GRCh37 (hg19) VCF-style: chr20-49575624-C-T.
Other names: short protein forms T82I.
Identifiers: ClinVar variation 3615106 (VCV003615106.2).